The following is an entry in ClinVar:

NM_000321.3(RB1):c.2729G>T (p.Arg910Leu)

Gene: RB1 (RB transcriptional corepressor 1; plus strand). Cytogenetic location: 13q14.2.
Variant type: single nucleotide variant.
Coding change: c.2729G>T on transcript NM_000321.3 (MANE Select); coding-DNA position 2729, G replaced by T.
Protein change: p.Arg910Leu; replaces arginine 910 with leucine.
Molecular consequence: missense variant. On other transcripts: synonymous variant (1).
Genome position (GRCh38, 1-based): chr13:48,480,013, G>T. VCF-style: chr13-48480013-G-T. GRCh37 (hg19) VCF-style: chr13-49054149-G-T.
Other names: c.2748G>T, p.Thr916= (NM_001407165.1); c.179G>T, p.Arg60Leu (NM_001407168.1); short protein forms R60L, R910L.
Identifiers: ClinVar variation 5027959 (VCV005027959.1).

ClinVar aggregate classification (germline): Uncertain significance (1 of 4 stars; one submission).

Conditions:
Hereditary cancer-predisposing syndrome. Also called: Neoplastic Syndromes, Hereditary; Tumor predisposition; Hereditary neoplastic syndrome; Hereditary Cancer Syndrome. Identifiers: Orphanet 140162, MedGen C0027672, MeSH D009386, MONDO:0015356.

Submission:

Ambry Genetics
Classification: Uncertain significance for Hereditary cancer-predisposing syndrome. Last evaluated: 2026-07-07. Review status: criteria provided, single submitter. Criteria: Ambry Variant Classification Scheme 2023. Collection method: clinical testing. Allele origin: germline.
Comment: The p.R910L variant (also known as c.2729G>T), located in coding exon 27 of the RB1 gene, results from a G to T substitution at nucleotide position 2729. The arginine at codon 910 is replaced by leucine, an amino acid with dissimilar properties. This amino acid position is conserved. In addition, this alteration is predicted to be deleterious by in silico analysis. Based on the available evidence, the clinical significance of this variant remains unclear.